The following is an entry in ClinVar:

ClinVar aggregate classification (germline): Uncertain significance (1 of 4 stars; one submission).

Submission:

GeneDx
Classification: Uncertain significance. Last evaluated: 2023-06-21. Review status: criteria provided, single submitter. Criteria: GeneDx Variant Classification Process June 2021. Collection method: clinical testing. Allele origin: germline. Affected: yes.
Comment: Not observed at significant frequency in large population cohorts (gnomAD); In silico analysis supports that this missense variant has a deleterious effect on protein structure/function; Has not been previously published as pathogenic or benign to our knowledge

NM_001367873.1(SOX6):c.170C>T (p.Pro57Leu)

Gene: SOX6 (SRY-box transcription factor 6; minus strand). Cytogenetic location: 11p15.2.
Variant type: single nucleotide variant.
Coding change: c.170C>T on transcript NM_001367873.1 (MANE Select); coding-DNA position 170, C replaced by T.
Protein change: p.Pro57Leu; replaces proline 57 with leucine.
Molecular consequence: missense variant.
Genome position (GRCh38, 1-based): chr11:16,341,079, G>A on the plus strand (C>T on the coding strand, the complement: SOX6 is on the minus strand). VCF-style: chr11-16341079-G-A. GRCh37 (hg19) VCF-style: chr11-16362625-G-A.
Other names: c.170C>T, p.Pro57Leu (NM_001145811.2, NM_001145819.2, NM_001367872.1 and 2 more transcripts); short protein forms P57L.
Identifiers: ClinVar variation 3360163 (VCV003360163.1).